The following is an entry in ClinVar:

NM_015102.5(NPHP4):c.672C>T (p.Ser224=)

Gene: NPHP4 (nephrocystin 4; minus strand). Cytogenetic location: 1p36.31.
Variant type: single nucleotide variant.
Coding change: c.672C>T on transcript NM_015102.5 (MANE Select); coding-DNA position 672, C replaced by T.
Protein change: p.Ser224=; no amino-acid change (serine 224 retained).
Molecular consequence: synonymous variant. On other transcripts: 5 prime UTR variant (2), non-coding transcript variant (1).
Genome position (GRCh38, 1-based): chr1:5,961,795, G>A on the plus strand (C>T on the coding strand, the complement: NPHP4 is on the minus strand). VCF-style: chr1-5961795-G-A. GRCh37 (hg19) VCF-style: chr1-6021855-G-A.
Other names: c.672C>T (NM_015102.4); c.-558C>T (NM_001291593.2); c.-695C>T (NM_001291594.2).
Identifiers: ClinVar variation 502563 (VCV000502563.7), dbSNP rs899131824, ClinGen allele CA17169340.

ClinVar aggregate classification (germline): Conflicting classifications of pathogenicity. Review status: criteria provided, conflicting classifications (1 of 4 stars). 3 submissions from 3 submitters: Uncertain significance (1); Likely benign (2). Last evaluated 2025-08-22.

Conditions:
NPHP4-related disorder. Also called: NPHP4-related condition; NPHP4-related disorders. Identifiers: MedGen CN239384.

Allele frequency attached by ClinVar (database versions not stated): gnomAD exomes 0.00002; gnomAD 0.00003; TOPMed 0.00003.
gnomAD v4.1: 36 of 1,610,764 alleles (0.0022%); highest among the groups gnomAD compares: South Asian, 0.0066%; no homozygotes.

Submissions (3):

PreventionGenetics, part of Exact Sciences
Classification: Likely benign for NPHP4-related condition. Last evaluated: 2025-08-22. Review status: criteria provided, single submitter. Criteria: ACMG Guidelines, 2015. Collection method: clinical testing. Allele origin: germline.
Comment: This variant is classified as likely benign based on ACMG/AMP sequence variant interpretation guidelines (Richards et al. 2015 PMID: 25741868, with internal and published modifications).

Blueprint Genetics
Classification: Likely benign. Last evaluated: 2024-01-23. Review status: criteria provided, single submitter. Criteria: ACMG Guidelines, 2015. Collection method: clinical testing. Allele origin: germline.

Eurofins Ntd Llc (ga)
Classification: Uncertain significance. Last evaluated: 2017-06-14. Review status: criteria provided, single submitter. Criteria: EGL Classification Definitions 2015. Collection method: clinical testing. Allele origin: germline. Observed: 1 variant allele, 1 heterozygote.